The following is an entry in ClinVar:

ClinVar aggregate classification (germline): Likely benign. Review status: criteria provided, single submitter (1 of 4 stars). 2 submissions from 1 submitter: Likely benign (2). Last evaluated 2017-04-27.

Conditions:
Branchiootic syndrome 3 (BOS3). Also called: BO SYNDROME 3. Identifiers: MedGen C1842124, MONDO:0012025, OMIM 608389.
Autosomal dominant nonsyndromic hearing loss 23. Identifiers: Orphanet 90635, MedGen C1854594, MONDO:0011519, OMIM 605192.

Allele frequency attached by ClinVar (database versions not stated): gnomAD 0.01779 and 0.01905; TOPMed 0.01991; 1000 Genomes Project 0.02057.

Submissions (2):

Illumina Laboratory Services, Illumina
Classification: Likely benign for Branchiootic syndrome 3. Last evaluated: 2017-04-27. Review status: criteria provided, single submitter. Criteria: ICSL Variant Classification Criteria 13 December 2019. Collection method: clinical testing. Allele origin: germline.
Comment: This variant was observed as part of a predisposition screen in an ostensibly healthy population. A literature search was performed for the gene, cDNA change, and amino acid change (where applicable). No publications were found based on this search. Allele frequency data from public databases allowed determination this variant is unlikely to cause disease. Therefore, this variant is classified as likely benign.

Illumina Laboratory Services, Illumina
Classification: Likely benign for Autosomal dominant nonsyndromic hearing loss 23. Last evaluated: 2017-04-27. Review status: criteria provided, single submitter. Criteria: ICSL Variant Classification Criteria 13 December 2019. Collection method: clinical testing. Allele origin: germline.
Comment: the same text as in the submission from Illumina Laboratory Services, Illumina above.

NM_005982.4(SIX1):c.*767A>T

Gene: SIX1 (SIX homeobox 1; minus strand). Cytogenetic location: 14q23.1.
Variant type: single nucleotide variant.
Coding change: c.*767A>T on transcript NM_005982.4 (MANE Select); 767 bases downstream of the stop codon, A replaced by T.
Molecular consequence: 3 prime UTR variant.
Genome position (GRCh38, 1-based): chr14:60,645,516, T>A on the plus strand (A>T on the coding strand, the complement: SIX1 is on the minus strand). VCF-style: chr14-60645516-T-A. GRCh37 (hg19) VCF-style: chr14-61112234-T-A.
Identifiers: ClinVar variation 313449 (VCV000313449.5), dbSNP rs574976629, ClinGen allele CA10640400.
Genomic context (GRCh38, chr14:60,645,516, plus strand): 5'-TGAGTAATGGCATTCAGGAAAGTGTTTTTTCACATTGGTACATTTTTAGAGTTTGTCATT[T>A]AAAAAAAAAAAACCCAAGAAAACAAACAACAACCAAAAAATCCCACTAAATTTGACAAAA-3'